The following is an entry in ClinVar:

ClinVar aggregate classification (germline): Likely benign (1 of 4 stars; one submission).

Allele frequency attached by ClinVar (database versions not stated): 1000 Genomes Project 0.00260; 1000 Genomes Project 30x 0.00281; gnomAD 0.00346 and 0.00374; TOPMed 0.00418.
gnomAD v4.1: 516 of 150,386 alleles (0.34%); highest among the groups gnomAD compares: African/African-American, 1.2%; 7 homozygotes.

Submission:

GeneDx
Classification: Likely benign. Last evaluated: 2018-06-19. Review status: criteria provided, single submitter. Criteria: GeneDx Variant Classification (06012015). Collection method: clinical testing. Allele origin: germline. Affected: yes.
Comment: This variant is considered likely benign or benign based on one or more of the following criteria: it is a conservative change, it occurs at a poorly conserved position in the protein, it is predicted to be benign by multiple in silico algorithms, and/or has population frequency not consistent with disease.

NM_000268.4(NF2):c.599+289G>A

Gene: NF2 (NF2, moesin-ezrin-radixin like (MERLIN) tumor suppressor; plus strand). Cytogenetic location: 22q12.2.
Variant type: single nucleotide variant.
Coding change: c.599+289G>A on transcript NM_000268.4 (MANE Select); 289 bases into the intron after coding-DNA position 599, G replaced by A.
Molecular consequence: intron variant.
Genome position (GRCh38, 1-based): chr22:29,655,965, G>A. VCF-style: chr22-29655965-G-A. GRCh37 (hg19) VCF-style: chr22-30051954-G-A.
Other names: c.599+289G>A (NM_016418.5, NM_181832.3, NM_181825.3); c.447+13680G>A (NM_181833.3); c.476+289G>A (NM_181829.3); c.473+289G>A (NM_181828.3); c.350+289G>A (NM_181830.3, NM_181831.3).
Identifiers: ClinVar variation 674067 (VCV000674067.1), dbSNP rs187607171, ClinGen allele CA323110237.
Genomic context (GRCh38, chr22:29,655,965, plus strand): 5'-TATATAGACCTGTACTCACTGGTAATTAAGTTTAAGATTTTTTTTTTTTTTTGAGACAGA[G>A]TCTTGCTCTGTTGTCCAGGCTGAAATGCAGTGGCGCCATCTCAGCTCACTGCAGCCTTGA-3'